The following is an entry in ClinVar:

ClinVar aggregate classification (germline): Pathogenic (1 of 4 stars; one submission).

Conditions:
Norman-Roberts syndrome (LIS2). Also called: Lissencephaly 2 (Norman-Roberts type). Identifiers: Orphanet 89844, MedGen C0796089, MONDO:0009760, OMIM 257320.
Familial temporal lobe epilepsy 7. Identifiers: Orphanet 101046, MedGen C4225327, MONDO:0014639, OMIM 616436.

gnomAD v4.1: 1 of 1,613,954 alleles (0.000062%); highest among the groups gnomAD compares: Non-Finnish European, 0.000085%; no homozygotes.

Submission:

Labcorp Genetics (formerly Invitae), Labcorp
Classification: Pathogenic for Familial temporal lobe epilepsy 7; Norman-Roberts syndrome. Last evaluated: 2023-09-10. Review status: criteria provided, single submitter. Criteria: Invitae Variant Classification Sherloc (09022015). Collection method: clinical testing. Allele origin: germline.
Comment: This variant is not present in population databases (gnomAD no frequency). This sequence change creates a premature translational stop signal (p.Arg1286*) in the RELN gene. It is expected to result in an absent or disrupted protein product. Loss-of-function variants in RELN are known to be pathogenic (PMID: 10973257, 26046367, 28454995). This variant has not been reported in the literature in individuals affected with RELN-related conditions. For these reasons, this variant has been classified as Pathogenic.

Literature cited by the submitters: PubMed 10973257; PubMed 26046367; PubMed 28454995.

NM_005045.4(RELN):c.3856C>T (p.Arg1286Ter)

Gene: RELN (reelin; minus strand). Cytogenetic location: 7q22.1.
Variant type: single nucleotide variant.
Coding change: c.3856C>T on transcript NM_005045.4 (MANE Select); coding-DNA position 3856, C replaced by T.
Protein change: p.Arg1286Ter; replaces arginine 1286 with a stop codon.
Molecular consequence: nonsense.
Genome position (GRCh38, 1-based): chr7:103,593,738, G>A on the plus strand (C>T on the coding strand, the complement: RELN is on the minus strand). VCF-style: chr7-103593738-G-A. GRCh37 (hg19) VCF-style: chr7-103234185-G-A.
Other names: c.3856C>T, p.Arg1286Ter (NM_173054.3); short protein forms R1286*.
Identifiers: ClinVar variation 2949922 (VCV002949922.3), dbSNP rs1584326318, ClinGen allele CA368757094.